The following is an entry in ClinVar:

NM_007294.4(BRCA1):c.4185+1458A>G

Gene: BRCA1 (BRCA1 DNA repair associated; minus strand). Cytogenetic location: 17q21.31.
Variant type: single nucleotide variant.
Coding change: c.4185+1458A>G on transcript NM_007294.4 (MANE Select); 1458 bases into the intron after coding-DNA position 4185, A replaced by G.
Molecular consequence: intron variant.
Genome position (GRCh38, 1-based): chr17:43,089,486, T>C on the plus strand (A>G on the coding strand, the complement: BRCA1 is on the minus strand). VCF-style: chr17-43089486-T-C. GRCh37 (hg19) VCF-style: chr17-41241503-T-C.
Other names: IVS 12+1458A>G; c.735+1458A>G (NM_001408458.1, NM_001408469.1, NM_001408453.1 and 11 more transcripts); c.3297+1458A>G (NM_001407967.1, NM_001407966.1); c.3804+1458A>G (NM_001407959.1, NM_001407963.1, NM_001407960.1); c.3918+1458A>G (NM_001407931.1, NM_001407932.1, NM_001407934.1 and 2 more transcripts); c.4041+1458A>G (NM_001407747.1, NM_001407848.1, NM_001407839.1 and 20 more transcripts); c.3801+1458A>G (NM_001407962.1); c.372+1458A>G (NM_001408512.1); and 42 more.
Identifiers: ClinVar variation 209433 (VCV000209433.2), dbSNP rs8176160, ClinGen allele CA276405.
Genomic context (GRCh38, chr17:43,089,486, plus strand): 5'-TACATAAACATTTCATATTACATTATCAAATGGTCATATATATGGTAAAGCTTTTATTTA[T>C]TTCATAGGTGACCAAATTATTGGCCTTGACCATTAGGTCCAGAAAGTAAAATTGTGTACT-3'

ClinVar aggregate classification (germline): Benign (3 of 4 stars; one submission).

Conditions:
Breast-ovarian cancer, familial, susceptibility to, 1 (BROVCA1). Also called: BRCA1 Hereditary Breast and Ovarian Cancer; OVARIAN CANCER, SUSCEPTIBILITY TO. Identifiers: Orphanet 145, MedGen C2676676, MONDO:0011450, OMIM 604370. Disease mechanism: loss of function.

Allele frequency attached by ClinVar (database versions not stated): TOPMed 0.30204; gnomAD 0.30824 and 0.31572; 1000 Genomes Project 30x 0.34760; 1000 Genomes Project 0.35343.
gnomAD v4.1: 47,915 of 151,720 alleles (32%); highest among the groups gnomAD compares: South Asian, 49%; 7,903 homozygotes.

Submission:

Evidence-based Network for the Interpretation of Germline Mutant Alleles (ENIGMA)
Classification: Benign for Breast-ovarian cancer, familial 1. Last evaluated: 2015-01-12. Review status: reviewed by expert panel. Criteria: ENIGMA BRCA1/2 Classification Criteria (2015). Collection method: curation. Allele origin: germline.
Comment: Class 1 not pathogenic based on frequency >1% in an outbred sampleset. Frequency 0.3304 (Asian), 0.2236 (African), 0.3628 (European), derived from 1000 genomes (2012-04-30).